The following is an entry in ClinVar:

ClinVar aggregate classification (germline): Uncertain significance (1 of 4 stars; one submission).

Conditions:
Cardiovascular phenotype. Identifiers: MedGen CN230736.

gnomAD v4.1: 1 of 1,613,878 alleles (0.000062%); no homozygotes.

Submission:

Ambry Genetics
Classification: Uncertain significance for Cardiovascular phenotype. Last evaluated: 2021-10-26. Review status: criteria provided, single submitter. Criteria: Ambry Variant Classification Scheme 2023. Collection method: clinical testing. Allele origin: germline.
Comment: The p.E941G variant (also known as c.2822A>G), located in coding exon 26 of the ANK2 gene, results from an A to G substitution at nucleotide position 2822. The glutamic acid at codon 941 is replaced by glycine, an amino acid with similar properties. This amino acid position is well conserved in available vertebrate species. In addition, the in silico prediction for this alteration is inconclusive. Since supporting evidence is limited at this time, the clinical significance of this alteration remains unclear.

NM_001148.6(ANK2):c.2822A>G (p.Glu941Gly)

Gene: ANK2 (ankyrin 2; plus strand). Cytogenetic location: 4q26.
Variant type: single nucleotide variant.
Coding change: c.2822A>G on transcript NM_001148.6 (MANE Select); coding-DNA position 2822, A replaced by G.
Protein change: p.Glu941Gly; replaces glutamic acid 941 with glycine.
Molecular consequence: missense variant.
Genome position (GRCh38, 1-based): chr4:113,318,542, A>G. VCF-style: chr4-113318542-A-G. GRCh37 (hg19) VCF-style: chr4-114239698-A-G.
Other names: c.2759A>G, p.Glu920Gly (NM_001127493.3, NM_001354243.2, NM_001354255.2 and 3 more transcripts); c.2834A>G, p.Glu945Gly (NM_001354225.2); c.2822A>G, p.Glu941Gly (NM_001354228.2, NM_001354232.2, NM_001354258.2 and 1 more transcripts); c.2864A>G, p.Glu955Gly (NM_001354230.2, NM_001354231.2, NM_001354237.2 and 1 more transcripts); c.2819A>G, p.Glu940Gly (NM_001354235.2, NM_001354236.2, NM_001354246.2 and 1 more transcripts); c.2756A>G, p.Glu919Gly (NM_001354239.2, NM_001354244.2, NM_001354252.2 and 3 more transcripts); c.2867A>G, p.Glu956Gly (NM_001354240.2, NM_001354241.2, NM_001386144.1); c.2723A>G, p.Glu908Gly (NM_001354245.2, NM_001354268.2); and 17 more; short protein forms E150G, E879G, E912G, E941G, E846G, E920G, E929G, E968G.
Identifiers: ClinVar variation 1796458 (VCV001796458.2), dbSNP rs2500176252, ClinGen allele CA357931447.
Genomic context (GRCh38, chr4:113,318,542, plus strand): 5'-GTGTGTTTATTCAATCCAGTGTTCTTTGTGTTTAGGTGTCAACTCTAGCCAAGGAGGCAG[A>G]AAGGAATTCTTATCGCCTAAGCTGGGGCACTGAGAACTTAGACAACGTGGCTCTTTCTTC-3'
Protein context (NP_001139.3, residues 931-951): HQVSTLAKEA[Glu941Gly]RNSYRLSWGT